The following is an entry in ClinVar:

ClinVar aggregate classification (germline): Likely benign. Review status: criteria provided, multiple submitters, no conflicts (2 of 4 stars). 3 submissions from 3 submitters: Likely benign (3). Last evaluated 2026-01-19.

Submissions (3):

Labcorp Genetics (formerly Invitae), Labcorp
Classification: Likely benign. Last evaluated: 2026-01-19. Review status: criteria provided, single submitter. Criteria: Invitae Variant Classification Sherloc (09022015). Collection method: clinical testing. Allele origin: germline.

Blueprint Genetics
Classification: Likely benign. Last evaluated: 2024-11-19. Review status: criteria provided, single submitter. Criteria: ACMG Guidelines, 2015. Collection method: clinical testing. Allele origin: germline.

CeGaT Center for Human Genetics Tuebingen
Classification: Likely benign. Last evaluated: 2022-12-01. Review status: criteria provided, single submitter. Criteria: CeGaT Center For Human Genetics Tuebingen Variant Classification Criteria Version 2. Collection method: clinical testing. Allele origin: germline. Affected: yes. Observed: 1 variant allele.
Comment: NDUFAF2: BP4, BP7

NM_174889.5(NDUFAF2):c.414T>C (p.Phe138=)

Gene: NDUFAF2 (NADH:ubiquinone oxidoreductase complex assembly factor 2; plus strand). Cytogenetic location: 5q12.1.
Variant type: single nucleotide variant.
Coding change: c.414T>C on transcript NM_174889.5 (MANE Select); coding-DNA position 414, T replaced by C.
Protein change: p.Phe138=; no amino-acid change (phenylalanine 138 retained).
Molecular consequence: synonymous variant.
Genome position (GRCh38, 1-based): chr5:61,152,859, T>C. VCF-style: chr5-61152859-T-C. GRCh37 (hg19) VCF-style: chr5-60448686-T-C.
Identifiers: ClinVar variation 726498 (VCV000726498.33), dbSNP rs770172045, ClinGen allele CA3278194.